The following is an entry in ClinVar:

NM_000051.4(ATM):c.2168T>C (p.Val723Ala)

Gene: ATM (ATM serine/threonine kinase; plus strand). Cytogenetic location: 11q22.3.
Variant type: single nucleotide variant.
Coding change: c.2168T>C on transcript NM_000051.4 (MANE Select); coding-DNA position 2168, T replaced by C.
Protein change: p.Val723Ala; replaces valine 723 with alanine.
Molecular consequence: missense variant.
Genome position (GRCh38, 1-based): chr11:108,256,258, T>C. VCF-style: chr11-108256258-T-C. GRCh37 (hg19) VCF-style: chr11-108126985-T-C.
Other names: c.2168T>C, p.Val723Ala (NM_001351834.2); short protein forms V723A.
Identifiers: ClinVar variation 233481 (VCV000233481.31), dbSNP rs745399310, ClinGen allele CA6264960.

ClinVar aggregate classification (germline): Uncertain significance. Review status: criteria provided, multiple submitters, no conflicts (2 of 4 stars). 9 submissions from 9 submitters: Uncertain significance (8). 1 of the submissions does not count toward it. Last evaluated 2026-01-01.

Conditions:
Familial cancer of breast. Also called: hereditary breast carcinoma; BREAST CANCER, FAMILIAL; Hereditary breast cancer. Identifiers: Orphanet 227535, MedGen C0346153, MONDO:0016419, OMIM 114480. Disease mechanism: loss of function.
Hereditary cancer-predisposing syndrome. Also called: Tumor predisposition; Hereditary Cancer Syndrome; Hereditary neoplastic syndrome; Neoplastic Syndromes, Hereditary. Identifiers: Orphanet 140162, MedGen C0027672, MeSH D009386, MONDO:0015356.
Ataxia-telangiectasia syndrome (AT). Also called: Ataxia telangiectasia (A-T); LOUIS-BAR SYNDROME; Cerebello-oculocutaneous telangiectasia; Immunodeficiency with ataxia telangiectasia; ATAXIA-TELANGIECTASIA, COMPLEMENTATION GROUP A; ATAXIA-TELANGIECTASIA, FRESNO VARIANT. Identifiers: Orphanet 100, MedGen C0004135, MONDO:0008840, OMIM 208900.

Allele frequency attached by ClinVar (database versions not stated): TOPMed 0.00002; ExAC 0.00004; gnomAD 0.00001; gnomAD exomes 0.00002 and 0.00004.
gnomAD v4.1: 13 of 1,610,334 alleles (0.00081%); highest among the groups gnomAD compares: Admixed American, 0.022%; no homozygotes.

Submissions (9):

Labcorp Genetics (formerly Invitae), Labcorp
Classification: Uncertain significance for Ataxia-telangiectasia syndrome. Last evaluated: 2026-01-01. Review status: criteria provided, single submitter. Criteria: Invitae Variant Classification Sherloc (09022015). Collection method: clinical testing. Allele origin: germline.
Comment: This sequence change replaces valine, which is neutral and non-polar, with alanine, which is neutral and non-polar, at codon 723 of the ATM protein (p.Val723Ala). This variant is present in population databases (rs745399310, gnomAD 0.03%). This variant has not been reported in the literature in individuals affected with ATM-related conditions. ClinVar contains an entry for this variant (Variation ID: 233481). Invitae Evidence Modeling of protein sequence and biophysical properties (such as structural, functional, and spatial information, amino acid conservation, physicochemical variation, residue mobility, and thermodynamic stability) indicates that this missense variant is not expected to disrupt ATM protein function with a negative predictive value of 95%. In summary, the available evidence is currently insufficient to determine the role of this variant in disease. Therefore, it has been classified as a Variant of Uncertain Significance.

Ambry Genetics
Classification: Uncertain significance for Hereditary cancer-predisposing syndrome. Last evaluated: 2025-08-19. Review status: criteria provided, single submitter. Criteria: Ambry Variant Classification Scheme 2023. Collection method: clinical testing. Allele origin: germline.
Comment: The p.V723A variant (also known as c.2168T>C), located in coding exon 13 of the ATM gene, results from a T to C substitution at nucleotide position 2168. The valine at codon 723 is replaced by alanine, an amino acid with similar properties. This amino acid position is well conserved in available vertebrate species. In addition, this alteration is predicted to be tolerated by in silico analysis. Based on the available evidence, the clinical significance of this variant remains unclear.

Women's Health and Genetics/Laboratory Corporation of America, LabCorp
Classification: Uncertain significance. Last evaluated: 2025-06-05. Review status: criteria provided, single submitter. Criteria: LabCorp Variant Classification Summary - May 2015. Collection method: clinical testing. Allele origin: germline.
Comment: Variant summary: ATM c.2168T>C (p.Val723Ala) results in a non-conservative amino acid change in the encoded protein sequence. Algorithms developed to predict the effect of missense changes on protein structure and function are either unavailable or do not agree on the potential impact of this missense change. The variant allele was found at a frequency of 3.6e-05 in 251128 control chromosomes. The available data on variant occurrences in the general population are insufficient to allow any conclusion about variant significance. To our knowledge, no occurrence of c.2168T>C in individuals affected with Ataxia-Telangiectasia and no experimental evidence demonstrating its impact on protein function have been reported. ClinVar contains an entry for this variant (Variation ID: 233481). Based on the evidence outlined above, the variant was classified as uncertain significance.

Quest Diagnostics Nichols Institute San Juan Capistrano
Classification: Uncertain significance. Last evaluated: 2025-04-04. Review status: criteria provided, single submitter. Criteria: Quest Diagnostics criteria. Collection method: clinical testing. Allele origin: unknown.

Color Diagnostics, LLC DBA Color Health
Classification: Uncertain significance for Hereditary cancer-predisposing syndrome. Last evaluated: 2024-09-04. Review status: criteria provided, single submitter. Criteria: ACMG Guidelines, 2015. Collection method: clinical testing. Allele origin: germline.
Comment: This missense variant replaces valine with alanine at codon 723 of the ATM protein. Computational prediction suggests that this variant may not impact protein structure and function. To our knowledge, functional studies have not been reported for this variant. This variant has not been reported in individuals affected with hereditary cancer in the literature. This variant has been identified in 9/251128 chromosomes in the general population by the Genome Aggregation Database (gnomAD). The available evidence is insufficient to determine the role of this variant in disease conclusively. Therefore, this variant is classified as a Variant of Uncertain Significance.

GeneDx
Classification: Uncertain significance. Last evaluated: 2023-11-07. Review status: criteria provided, single submitter. Criteria: GeneDx Variant Classification Process June 2021. Collection method: clinical testing. Allele origin: germline. Affected: yes.
Comment: In silico analysis supports that this missense variant does not alter protein structure/function; Observed only in a control group of a study of hereditary breast and ovarian cancer (PMID: 31206626); This variant is associated with the following publications: (PMID: 31206626)

Baylor Genetics
Classification: Uncertain significance for Familial cancer of breast. Last evaluated: 2023-09-08. Review status: criteria provided, single submitter. Criteria: ACMG Guidelines, 2015. Collection method: clinical testing. Allele origin: unknown.

St. Jude Molecular Pathology, St. Jude Children's Research Hospital
Classification: Uncertain significance for Familial cancer of breast. Last evaluated: 2023-01-27. Review status: criteria provided, single submitter. Criteria: St. Jude Assertion Criteria 2020. Collection method: clinical testing. Allele origin: germline.
Comment: The ATM c.2168T>C (p.Val723Ala) missense change has a maximum subpopulation frequency of 0.026% in gnomAD v2.1.1. The in silico tool REVEL predicts a benign effect of this variant on protein function, and to our knowledge functional studies have not been performed. In case-control studies, this variant has been reported in 0 of 1054 BRCA-mutation-negative Hispanic women with hereditary breast cancer and 1 of 1199 controls (PMID: 31206626). This variant is absent in a database of women older than 70 years of age who have never had cancer (FLOSSIES database). To our knowledge, this variant has not been reported in individuals with ataxia telangiectasia. In summary, the evidence currently available is insufficient to determine the clinical significance of this variant. It has therefore been classified as of uncertain significance.

Natera, Inc.
Classification: Uncertain significance for Ataxia-telangiectasia. Last evaluated: 2020-10-09. Review status: no assertion criteria provided. Collection method: clinical testing. Allele origin: germline. Not counted in ClinVar's aggregate classification.

Literature cited by the submitters: PubMed 31206626 (cited by Ambry Genetics).